The following is an entry in ClinVar:

NM_052947.4(ALPK2):c.1448A>G (p.Asn483Ser)

Gene: ALPK2 (alpha kinase 2; minus strand). Cytogenetic location: 18q21.31.
Variant type: single nucleotide variant.
Coding change: c.1448A>G on transcript NM_052947.4 (MANE Select); coding-DNA position 1448, A replaced by G.
Protein change: p.Asn483Ser; replaces asparagine 483 with serine.
Molecular consequence: missense variant.
Genome position (GRCh38, 1-based): chr18:58,579,328, T>C on the plus strand (A>G on the coding strand, the complement: ALPK2 is on the minus strand). VCF-style: chr18-58579328-T-C. GRCh37 (hg19) VCF-style: chr18-56246560-T-C.
Other names: short protein forms N483S.
Identifiers: ClinVar variation 1772831 (VCV001772831.2), dbSNP rs771971775, ClinGen allele CA8977256.
Genomic context (GRCh38, chr18:58,579,328, plus strand): 5'-GACTCACCAGACAAGAGCTTCATCTCTGTCTCTCTTACTGATTCATCCATGTTGAGCAGA[T>C]TGTCACTGGCAAATTCCTCTCTTGCTTGGTGGCTGTCTCTGGTTTCTCCTTGAATTCCTG-3'
Protein context (NP_443179.3, residues 473-493): HQAREEFASD[Asn483Ser]LLNMDESVRE

ClinVar aggregate classification (germline): Uncertain significance (1 of 4 stars; one submission).

Allele frequency attached by ClinVar (database versions not stated): ExAC 0.00001; gnomAD exomes 0.00001; gnomAD 0.00003; TOPMed 0.00003.
gnomAD v4.1: 9 of 1,614,094 alleles (0.00056%); highest among the groups gnomAD compares: African/African-American, 0.0067%; no homozygotes.

Submission:

Ambry Genetics
Classification: Uncertain significance. Last evaluated: 2024-03-12. Review status: criteria provided, single submitter. Criteria: Ambry Variant Classification Scheme 2023. Collection method: clinical testing. Allele origin: germline.
Comment: The p.N483S variant (also known as c.1448A>G), located in coding exon 3 of the ALPK2 gene, results from an A to G substitution at nucleotide position 1448. The asparagine at codon 483 is replaced by serine, an amino acid with highly similar properties. This amino acid position is conserved. In addition, this alteration is predicted to be tolerated by in silico analysis. Since supporting evidence is limited at this time, the clinical significance of this alteration remains unclear.